The following is an entry in ClinVar:

ClinVar aggregate classification (germline): Uncertain significance (1 of 4 stars; one submission).

Conditions:
GTP cyclohydrolase I deficiency. Identifiers: MedGen C0268467, MONDO:0100184.
Dystonia 5 (DRD). Also called: DYT-GCH1; DYSTONIA, PROGRESSIVE, WITH DIURNAL VARIATION; DYSTONIA-PARKINSONISM WITH DIURNAL FLUCTUATION; GTP Cyclohydrolase 1-Deficient Dopa-Responsive Dystonia; Dystonia, DOPA-responsive, with or without hyperphenylalaninemia. Identifiers: Orphanet 98808, MedGen C1851920, MONDO:0007495, OMIM 128230.

Submission:

Labcorp Genetics (formerly Invitae), Labcorp
Classification: Uncertain significance for GTP cyclohydrolase I deficiency; Dystonia 5. Last evaluated: 2025-10-26. Review status: criteria provided, single submitter. Criteria: Invitae Variant Classification Sherloc (09022015). Collection method: clinical testing. Allele origin: germline.
Comment: This sequence change replaces glycine, which is neutral and non-polar, with aspartic acid, which is acidic and polar, at codon 55 of the GCH1 protein (p.Gly55Asp). This variant is not present in population databases (gnomAD no frequency). This variant has not been reported in the literature in individuals affected with GCH1-related conditions. ClinVar contains an entry for this variant (Variation ID: 2929848). Invitae Evidence Modeling of protein sequence and biophysical properties (such as structural, functional, and spatial information, amino acid conservation, physicochemical variation, residue mobility, and thermodynamic stability) indicates that this missense variant is not expected to disrupt GCH1 protein function with a negative predictive value of 95%. In summary, the available evidence is currently insufficient to determine the role of this variant in disease. Therefore, it has been classified as a Variant of Uncertain Significance.

NM_000161.3(GCH1):c.164G>A (p.Gly55Asp)

Gene: GCH1 (GTP cyclohydrolase 1; minus strand). Cytogenetic location: 14q22.2.
Variant type: single nucleotide variant.
Coding change: c.164G>A on transcript NM_000161.3 (MANE Select); coding-DNA position 164, G replaced by A.
Protein change: p.Gly55Asp; replaces glycine 55 with aspartic acid.
Molecular consequence: missense variant.
Genome position (GRCh38, 1-based): chr14:54,902,500, C>T on the plus strand (G>A on the coding strand, the complement: GCH1 is on the minus strand). VCF-style: chr14-54902500-C-T. GRCh37 (hg19) VCF-style: chr14-55369218-C-T.
Other names: c.164G>A, p.Gly55Asp (NM_001024024.2, NM_001024070.2, NM_001024071.2 and 1 more transcripts); short protein forms G55D.
Identifiers: ClinVar variation 2929848 (VCV002929848.3), dbSNP rs1464045587, ClinGen allele CA389794102.